The following is an entry in ClinVar:

NM_001199107.2(TBC1D24):c.117G>A (p.Ala39=)

Gene: TBC1D24 (TBC1 domain family member 24; plus strand). Cytogenetic location: 16p13.3.
Variant type: single nucleotide variant.
Coding change: c.117G>A on transcript NM_001199107.2 (MANE Select); coding-DNA position 117, G replaced by A.
Protein change: p.Ala39=; no amino-acid change (alanine 39 retained).
Molecular consequence: synonymous variant.
Genome position (GRCh38, 1-based): chr16:2,496,265, G>A. VCF-style: chr16-2496265-G-A. GRCh37 (hg19) VCF-style: chr16-2546266-G-A.
Other names: c.117G>A, p.Ala39= (NM_020705.3).
Identifiers: ClinVar variation 1133711 (VCV001133711.11), dbSNP rs537494711, ClinGen allele CA7843925.
Genomic context (GRCh38, chr16:2,496,265, plus strand): 5'-CCAGGACCTGGGGCCCAAGGAGCTGAGCTGCACTGAACTGCAGGAACTGAAGCAGCTGGC[G>A]CGCCAGGGCTACTGGGCCCAAAGCCACGCCCTGCGGGGAAAGGTGTACCAGCGCCTGATC-3'
Protein context (NP_001186036.1, residues 29-49): CTELQELKQL[Ala39=]RQGYWAQSHA

ClinVar aggregate classification (germline): Likely benign. Review status: criteria provided, multiple submitters, no conflicts (2 of 4 stars). 4 submissions from 4 submitters: Likely benign (3). 1 of the submissions does not count toward it. Last evaluated 2025-06-09.

Conditions:
TBC1D24-related disorder. Also called: TBC1D24-related condition; TBC1D24-related disorders. Identifiers: MedGen CN381194.
Autosomal dominant nonsyndromic hearing loss 65. Also called: TBC1D24-Related Autosomal Dominant Nonsyndromic Hearing Loss (DFNA); Deafness, autosomal dominant 65. Identifiers: Orphanet 90635, MedGen C3892048, MONDO:0014470, OMIM 616044.
Developmental and epileptic encephalopathy, 1 (DEE1). Also called: X-linked infantile spasms; West's syndrome; Tonic spasms with clustering, arrest of psychomotor development and hypsarrhythmia on EEG; OHTAHARA SYNDROME, X-LINKED; X-Linked Infantile Spasm Syndrome; INFANTILE SPASM SYNDROME, X-LINKED 1. Identifiers: MedGen C3463992, MONDO:0010632, OMIM 308350. Disease mechanism: loss of function.

Allele frequency attached by ClinVar (database versions not stated): TOPMed below 0.00001; gnomAD 0.00001 and 0.00002; gnomAD exomes 0.00005 and 0.00009; ExAC 0.00007; 1000 Genomes Project 30x 0.00016; 1000 Genomes Project 0.00020.
gnomAD v4.1: 79 of 1,613,794 alleles (0.0049%); highest among the groups gnomAD compares: South Asian, 0.063%; no homozygotes.

Submissions (4):

Labcorp Genetics (formerly Invitae), Labcorp
Classification: Likely benign for Developmental and epileptic encephalopathy, 1; Autosomal dominant nonsyndromic hearing loss 65. Last evaluated: 2025-06-09. Review status: criteria provided, single submitter. Criteria: Invitae Variant Classification Sherloc (09022015). Collection method: clinical testing. Allele origin: germline.

Blueprint Genetics
Classification: Likely benign. Last evaluated: 2024-08-12. Review status: criteria provided, single submitter. Criteria: ACMG Guidelines, 2015. Collection method: clinical testing. Allele origin: germline.

GeneDx
Classification: Likely benign. Last evaluated: 2020-02-18. Review status: criteria provided, single submitter. Criteria: GeneDx Variant Classification Process June 2021. Collection method: clinical testing. Allele origin: germline. Affected: yes.

PreventionGenetics, part of Exact Sciences
Classification: Likely benign for TBC1D24-related condition. Last evaluated: 2022-02-14. Review status: no assertion criteria provided. Collection method: clinical testing. Allele origin: germline. Not counted in ClinVar's aggregate classification.
Comment: This variant is classified as likely benign based on ACMG/AMP sequence variant interpretation guidelines (Richards et al. 2015 PMID: 25741868, with internal and published modifications).